The following is an entry in ClinVar:

ClinVar aggregate classification (germline): Uncertain significance. Review status: criteria provided, multiple submitters, no conflicts (2 of 4 stars). 5 submissions from 5 submitters: Uncertain significance (5). Last evaluated 2025-01-14.

Conditions:
Malignant hyperthermia, susceptibility to, 1 (MHS1). Also called: RYR1-Related Malignant Hyperthermia Susceptibility; Anesthesia related hyperthermia; Malignant hyperpyrexia; Fulminating hyperpyrexia; Pharmacogenic myopathy; Malignant hyperthermia suceptibility 1. Identifiers: Orphanet 423, MedGen C2930980, MONDO:0007783, OMIM 145600.
Central core myopathy (CMYO1A). Also called: Central core disease; Myopathy, central fibrillar; CONGENITAL MYOPATHY 1A, AUTOSOMAL DOMINANT, WITH SUSCEPTIBILITY TO MALIGNANT HYPERTHERMIA. Identifiers: Orphanet 597, MedGen C5830701, MONDO:0007294, OMIM 117000.
Congenital myopathy with fiber type disproportion. Also called: Congenital fiber-type disproportion; Congenital fiber-type disproportion myopathy. Identifiers: Orphanet 2020, MedGen C0546264, MONDO:0009711. Inheritance: all.
King Denborough syndrome (KDS). Identifiers: MedGen C1840365, MONDO:0020485, OMIM 619542.
Congenital multicore myopathy with external ophthalmoplegia (CMYO1B). Also called: MULTICORE MYOPATHY; Congenital myopathy 1B, autosomal recessive; Minicore myopathy; MULTIMINICORE DISEASE WITH EXTERNAL OPHTHALMOPLEGIA; Minicore myopathy with external ophthalmoplegia. Identifiers: Orphanet 598, Orphanet 98905, MedGen C1850674, MONDO:0009712, OMIM 255320, HP:0003789.
RYR1-related disorder. Also called: RYR1-related condition; RYR1-related disorders. Identifiers: MedGen CN239331.

Allele frequency attached by ClinVar (database versions not stated): gnomAD exomes below 0.00001; ExAC 0.00001; gnomAD 0.00003; 1000 Genomes Project 30x 0.00016; 1000 Genomes Project 0.00020.
gnomAD v4.1: 10 of 1,614,074 alleles (0.00062%); highest among the groups gnomAD compares: Admixed American, 0.015%; no homozygotes.

Submissions (5):

Labcorp Genetics (formerly Invitae), Labcorp
Classification: Uncertain significance for RYR1-related disorder. Last evaluated: 2025-01-14. Review status: criteria provided, single submitter. Criteria: Invitae Variant Classification Sherloc (09022015). Collection method: clinical testing. Allele origin: germline.
Comment: This sequence change replaces arginine, which is basic and polar, with histidine, which is basic and polar, at codon 4136 of the RYR1 protein (p.Arg4136His). This variant is present in population databases (rs572373150, gnomAD 0.003%). This variant has not been reported in the literature in individuals affected with RYR1-related conditions. ClinVar contains an entry for this variant (Variation ID: 546300). Invitae Evidence Modeling of protein sequence and biophysical properties (such as structural, functional, and spatial information, amino acid conservation, physicochemical variation, residue mobility, and thermodynamic stability) has been performed for this missense variant. However, the output from this modeling did not meet the statistical confidence thresholds required to predict the impact of this variant on RYR1 protein function. In summary, the available evidence is currently insufficient to determine the role of this variant in disease. Therefore, it has been classified as a Variant of Uncertain Significance.

Revvity Omics, Revvity
Classification: Uncertain significance. Last evaluated: 2024-11-13. Review status: criteria provided, single submitter. Criteria: ACMG Guidelines, 2015. Collection method: clinical testing. Allele origin: germline.

Color Diagnostics, LLC DBA Color Health
Classification: Uncertain significance for Malignant hyperthermia, susceptibility to, 1. Last evaluated: 2024-01-30. Review status: criteria provided, single submitter. Criteria: ACMG Guidelines, 2015. Collection method: clinical testing. Allele origin: germline.
Comment: This missense variant replaces arginine with histidine at codon 4136 of the RYR1 protein. Computational prediction is inconclusive regarding the impact of this variant on protein structure and function. To our knowledge, functional studies have not been reported for this variant. This variant has not been reported in individuals affected with RYR1-related disorders in the literature. This variant has been identified in 1/251100 chromosomes in the general population by the Genome Aggregation Database (gnomAD). The available evidence is insufficient to determine the role of this variant in disease conclusively. Therefore, this variant is classified as a Variant of Uncertain Significance.

Fulgent Genetics
Classification: Uncertain significance for Central core myopathy; Malignant hyperthermia, susceptibility to, 1; Congenital myopathy 4A, autosomal dominant; Congenital multicore myopathy with external ophthalmoplegia; King Denborough syndrome. Last evaluated: 2021-07-28. Review status: criteria provided, single submitter. Criteria: ACMG Guidelines, 2015. Collection method: clinical testing. Allele origin: unknown.

GeneDx
Classification: Uncertain significance. Last evaluated: 2018-05-09. Review status: criteria provided, single submitter. Criteria: GeneDx Variant Classification (06012015). Collection method: clinical testing. Allele origin: germline. Affected: yes.
Comment: The R4136H variant has not been published as a pathogenic variant, nor has it been reported as a benign variant to our knowledge. The R4136H variant is not observed at a significant frequency in large population cohorts (Lek et al., 2016). In-silico analyses, including protein predictors and evolutionary conservation, support a deleterious effect. Missense variants at the same position and in nearby residues have been reported in the Human Gene Mutation Database in individuals with malignant hyperthermia (Stenson et al., 2014). However, the R4136H variant is a conservative amino acid substitution, which is not likely to impact secondary protein structure as these residues share similar properties. Therefore, based on the currently available information, it is unclear whether this variant is a pathogenic variant or a rare benign variant.

NM_000540.3(RYR1):c.12407G>A (p.Arg4136His)

Gene: RYR1 (ryanodine receptor 1; plus strand). Cytogenetic location: 19q13.2.
Variant type: single nucleotide variant.
Coding change: c.12407G>A on transcript NM_000540.3 (MANE Select); coding-DNA position 12407, G replaced by A.
Protein change: p.Arg4136His; replaces arginine 4136 with histidine.
Molecular consequence: missense variant.
Genome position (GRCh38, 1-based): chr19:38,561,237, G>A. VCF-style: chr19-38561237-G-A. GRCh37 (hg19) VCF-style: chr19-39051877-G-A.
Other names: c.12392G>A, p.Arg4131His (NM_001042723.2); short protein forms R4136H, R4131H.
Identifiers: ClinVar variation 546300 (VCV000546300.13), dbSNP rs572373150, ClinGen allele CA058840.